The following is an entry in ClinVar:

ClinVar aggregate classification (germline): Likely benign. Review status: reviewed by expert panel (3 of 4 stars). 5 submissions from 5 submitters: Likely benign (1). 4 of the submissions do not count toward it. Last evaluated 2017-06-29.

Conditions:
Hereditary breast ovarian cancer syndrome. Also called: Hereditary breast and ovarian cancer; Hereditary breast and ovarian cancer syndrome; Breast and ovarian cancer; Hereditary breast and ovarian cancer syndrome (HBOC); Hereditary breast and/or ovarian cancer syndrome; BRCA1- and BRCA2-Associated Hereditary Breast and Ovarian Cancer. Identifiers: Orphanet 145, MedGen C0677776, MeSH D061325, MONDO:0003582. Disease mechanism: loss of function.
Hereditary cancer-predisposing syndrome. Also called: Hereditary Cancer Syndrome; Neoplastic Syndromes, Hereditary; Tumor predisposition; Hereditary neoplastic syndrome. Identifiers: Orphanet 140162, MedGen C0027672, MeSH D009386, MONDO:0015356.
Breast-ovarian cancer, familial, susceptibility to, 2 (BROVCA2). Also called: BRCA2 Hereditary Breast and Ovarian Cancer. Identifiers: Orphanet 145, MedGen C2675520, MONDO:0012933, OMIM 612555. Disease mechanism: loss of function.

Allele frequency attached by ClinVar (database versions not stated): gnomAD exomes below 0.00001; ExAC 0.00001.
gnomAD v4.1: 2 of 1,611,326 alleles (0.00012%); highest among the groups gnomAD compares: Non-Finnish European, 0.00017%; no homozygotes.

Submissions (5):

Evidence-based Network for the Interpretation of Germline Mutant Alleles (ENIGMA)
Classification: Likely benign for Breast-ovarian cancer, familial, susceptibility to, 2. Last evaluated: 2017-06-29. Review status: reviewed by expert panel. Criteria: ENIGMA BRCA1/2 Classification Criteria (2017-06-29). Collection method: curation. Allele origin: germline.
Comment: Synonymous substitution variant, with low bioinformatic likelihood to result in a splicing aberration (Splicing prior probability 0.02).

Labcorp Genetics (formerly Invitae), Labcorp
Classification: Likely benign for Hereditary breast ovarian cancer syndrome. Last evaluated: 2025-11-23. Review status: criteria provided, single submitter. Criteria: Invitae Variant Classification Sherloc (09022015). Collection method: clinical testing. Allele origin: germline. Not counted in ClinVar's aggregate classification.

Color Diagnostics, LLC DBA Color Health
Classification: Likely benign for Hereditary cancer-predisposing syndrome. Last evaluated: 2018-11-05. Review status: criteria provided, single submitter. Criteria: ACMG Guidelines, 2015. Collection method: clinical testing. Allele origin: germline. Not counted in ClinVar's aggregate classification.

GeneDx
Classification: Likely benign. Last evaluated: 2016-02-15. Review status: criteria provided, single submitter. Criteria: GeneDx Variant Classification (06012015). Collection method: clinical testing. Allele origin: germline. Affected: yes. Not counted in ClinVar's aggregate classification.
Comment: This variant is considered likely benign or benign based on one or more of the following criteria: it is a conservative change, it occurs at a poorly conserved position in the protein, it is predicted to be benign by multiple in silico algorithms, and/or has population frequency not consistent with disease.

Ambry Genetics
Classification: Likely benign for Hereditary cancer-predisposing syndrome. Last evaluated: 2014-08-21. Review status: criteria provided, single submitter. Criteria: Ambry Variant Classification Scheme 2023. Collection method: clinical testing. Allele origin: germline. Not counted in ClinVar's aggregate classification.

NM_000059.4(BRCA2):c.1026A>G (p.Glu342=)

Gene: BRCA2 (BRCA2 DNA repair associated; plus strand). Cytogenetic location: 13q13.1.
Variant type: single nucleotide variant.
Coding change: c.1026A>G on transcript NM_000059.4 (MANE Select); coding-DNA position 1026, A replaced by G.
Protein change: p.Glu342=; no amino-acid change (glutamic acid 342 retained).
Molecular consequence: synonymous variant.
Genome position (GRCh38, 1-based): chr13:32,332,504, A>G. VCF-style: chr13-32332504-A-G. GRCh37 (hg19) VCF-style: chr13-32906641-A-G.
Identifiers: ClinVar variation 186064 (VCV000186064.20), dbSNP rs777755589, ClinGen allele CA010589.
Genomic context (GRCh38, chr13:32,332,504, plus strand): 5'-AGTAAGAACTAGCAAGACTAGGAAAAAAATTTTCCATGAAGCAAACGCTGATGAATGTGA[A>G]AAATCTAAAAACCAAGTGAAAGAAAAATACTCATTTGTATCTGAAGTGGAACCAAATGAT-3'
Protein context (NP_000050.3, residues 332-352): IFHEANADEC[Glu342=]KSKNQVKEKY